The following is an entry in ClinVar:

NM_014244.5(ADAMTS2):c.74_80delinsAGCAG (p.Pro25fs)

Gene: ADAMTS2 (ADAM metallopeptidase with thrombospondin type 1 motif 2; minus strand). Cytogenetic location: 5q35.3.
Variant type: Indel.
Coding change: c.74_80delinsAGCAG on transcript NM_014244.5 (MANE Select); coding-DNA positions 74 to 80, CGCCGCT replaced by AGCAG.
Protein change: p.Pro25fs; shifts the reading frame from proline 25.
Molecular consequence: frameshift variant.
Genome position (GRCh38, 1-based): chr5:179,345,249-179,345,255, AGCGGCG replaced by CTGCT on the plus strand (CGCCGCT replaced by AGCAG on the coding strand, the reverse complement: ADAMTS2 is on the minus strand). VCF-style: chr5-179345249-AGCGGCG-CTGCT. GRCh37 (hg19) VCF-style: chr5-178772250-AGCGGCG-CTGCT.
Other names: c.74_80delinsAGCAG, p.Pro25fs (NM_021599.4); short protein forms P25fs.
Identifiers: ClinVar variation 5010459 (VCV005010459.1).

ClinVar aggregate classification (germline): Pathogenic (1 of 4 stars; one submission).

Conditions:
Ehlers-Danlos syndrome, dermatosparaxis type. Also called: EDS VIIC; Dermatosparaxis; Ehlers-Danlos syndrome, type VII, autosomal recessive. Identifiers: Orphanet 1901, MedGen C2700425, MONDO:0009161, OMIM 225410.

Submission:

Myriad Genetics, Inc.
Classification: Pathogenic for Ehlers-Danlos syndrome, dermatosparaxis type. Last evaluated: 2024-05-14. Review status: criteria provided, single submitter. Criteria: Myriad Autosomal Dominant, Autosomal Recessive and X-Linked Classification Criteria (2023). Collection method: clinical testing. Allele origin: unknown.
Comment: NM_014244.4(ADAMTS2):c.74_80del7ins5(P25Qfs*40) is expected to be pathogenic in the context of Ehlers-Danlos syndrome, ADAMTS2-related. This variant is predicted to lead to an abnormal or absent protein product due to the creation of a premature termination codon in ADAMTS2, a gene where loss-of-function variants are known to be pathogenic. Please note: this variant was assessed in the context of healthy population screening.